The following is an entry in ClinVar:

NM_020693.4(DSCAML1):c.5923G>A (p.Ala1975Thr)

Gene: DSCAML1 (DS cell adhesion molecule like 1; minus strand). Cytogenetic location: 11q23.3.
Variant type: single nucleotide variant.
Coding change: c.5923G>A on transcript NM_020693.4 (MANE Select); coding-DNA position 5923, G replaced by A.
Protein change: p.Ala1975Thr; replaces alanine 1975 with threonine.
Molecular consequence: missense variant.
Genome position (GRCh38, 1-based): chr11:117,428,567, C>T on the plus strand (G>A on the coding strand, the complement: DSCAML1 is on the minus strand). VCF-style: chr11-117428567-C-T. GRCh37 (hg19) VCF-style: chr11-117299283-C-T.
Other names: short protein forms A1975T.
Identifiers: ClinVar variation 1370015 (VCV001370015.6), dbSNP rs930221363, ClinGen allele CA229391889.

ClinVar aggregate classification (germline): Uncertain significance (1 of 4 stars; one submission).

Allele frequency attached by ClinVar (database versions not stated): gnomAD exomes 0.00001; TOPMed 0.00002.
gnomAD v4.1: 3 of 1,572,528 alleles (0.00019%); highest among the groups gnomAD compares: Non-Finnish European, 0.00026%; no homozygotes.

Submission:

Labcorp Genetics (formerly Invitae), Labcorp
Classification: Uncertain significance. Last evaluated: 2022-08-16. Review status: criteria provided, single submitter. Criteria: Invitae Variant Classification Sherloc (09022015). Collection method: clinical testing. Allele origin: germline.
Comment: ClinVar contains an entry for this variant (Variation ID: 1370015). This sequence change replaces alanine, which is neutral and non-polar, with threonine, which is neutral and polar, at codon 2035 of the DSCAML1 protein (p.Ala2035Thr). This variant is not present in population databases (gnomAD no frequency). This variant has not been reported in the literature in individuals affected with DSCAML1-related conditions. Algorithms developed to predict the effect of missense changes on protein structure and function (SIFT, PolyPhen-2, Align-GVGD) all suggest that this variant is likely to be tolerated. In summary, the available evidence is currently insufficient to determine the role of this variant in disease. Therefore, it has been classified as a Variant of Uncertain Significance.